The following is an entry in ClinVar:

ClinVar aggregate classification (germline): Likely benign (1 of 4 stars; one submission).

Allele frequency attached by ClinVar (database versions not stated): ExAC 0.00001; gnomAD 0.00001; gnomAD exomes 0.00001; TOPMed 0.00001.
gnomAD v4.1: 20 of 1,609,134 alleles (0.0012%); highest among the groups gnomAD compares: East Asian, 0.0022%; no homozygotes.

Submission:

GeneDx
Classification: Likely benign. Last evaluated: 2018-05-04. Review status: criteria provided, single submitter. Criteria: GeneDx Variant Classification (06012015). Collection method: clinical testing. Allele origin: germline. Affected: yes.
Comment: This variant is considered likely benign or benign based on one or more of the following criteria: it is a conservative change, it occurs at a poorly conserved position in the protein, it is predicted to be benign by multiple in silico algorithms, and/or has population frequency not consistent with disease.

NM_006031.6(PCNT):c.5411G>A (p.Arg1804Gln)

Gene: PCNT (pericentrin; plus strand). Cytogenetic location: 21q22.3.
Variant type: single nucleotide variant.
Coding change: c.5411G>A on transcript NM_006031.6 (MANE Select); coding-DNA position 5411, G replaced by A.
Protein change: p.Arg1804Gln; replaces arginine 1804 with glutamine.
Molecular consequence: missense variant.
Genome position (GRCh38, 1-based): chr21:46,411,484, G>A. VCF-style: chr21-46411484-G-A. GRCh37 (hg19) VCF-style: chr21-47831398-G-A.
Other names: c.5057G>A, p.Arg1686Gln (NM_001315529.2); short protein forms R1804Q, R1686Q.
Identifiers: ClinVar variation 668245 (VCV000668245.1), dbSNP rs762385391, ClinGen allele CA10079977.
Genomic context (GRCh38, chr21:46,411,484, plus strand): 5'-GTGGGCAGGCCCTACAGGGCGAGCTCGAGGCTGCGCTGGAAGCCAAGGAGGCCCTGAGCC[G>A]GCTGCTGGCTGACCAGGAGCGCAGGCACAGCCAGGCCCTGGAGGCCCTGCAGCAGCGCCT-3'
Protein context (NP_006022.3, residues 1794-1814): AALEAKEALS[Arg1804Gln]LLADQERRHS